The following is an entry in ClinVar:

NM_000770.3(CYP2C8):c.480G>A (p.Lys160=)

Gene: CYP2C8 (cytochrome P450 family 2 subfamily C member 8; minus strand). Cytogenetic location: 10q23.33.
Variant type: single nucleotide variant.
Coding change: c.480G>A on transcript NM_000770.3 (MANE Select); coding-DNA position 480, G replaced by A.
Protein change: p.Lys160=; no amino-acid change (lysine 160 retained).
Molecular consequence: synonymous variant.
Genome position (GRCh38, 1-based): chr10:95,067,209, C>T on the plus strand (G>A on the coding strand, the complement: CYP2C8 is on the minus strand). VCF-style: chr10-95067209-C-T. GRCh37 (hg19) VCF-style: chr10-96826966-C-T.
Other names: c.270G>A, p.Lys90= (NM_001198853.1, NM_001198855.1); c.174G>A, p.Lys58= (NM_001198854.1).
Identifiers: ClinVar variation 3056915 (VCV003056915.2), dbSNP rs11572081, ClinGen allele CA5617782.

ClinVar aggregate classification (germline): Benign (0 of 4 stars; one submission).

Conditions:
CYP2C8-related disorder. Also called: CYP2C8-related condition.

Allele frequency attached by ClinVar (database versions not stated): gnomAD 0.04509; 1000 Genomes Project 0.04593; 1000 Genomes Project 30x 0.04809; TOPMed 0.05119; ESP Exome Variant Server 0.05128.
gnomAD v4.1: 13,983 of 1,613,980 alleles (0.87%); highest among the groups gnomAD compares: African/African-American, 16%; 1,023 homozygotes.

Submission:

PreventionGenetics, part of Exact Sciences
Classification: Benign for CYP2C8-related condition. Last evaluated: 2020-02-26. Review status: no assertion criteria provided. Collection method: clinical testing. Allele origin: germline.
Comment: This variant is classified as benign based on ACMG/AMP sequence variant interpretation guidelines (Richards et al. 2015 PMID: 25741868, with internal and published modifications).